The following is an entry in ClinVar:

NM_006208.3(ENPP1):c.544T>G (p.Ser182Ala)

Gene: ENPP1 (ectonucleotide pyrophosphatase/phosphodiesterase 1; plus strand). Cytogenetic location: 6q23.2.
Variant type: single nucleotide variant.
Coding change: c.544T>G on transcript NM_006208.3 (MANE Select); coding-DNA position 544, T replaced by G.
Protein change: p.Ser182Ala; replaces serine 182 with alanine.
Molecular consequence: missense variant.
Genome position (GRCh38, 1-based): chr6:131,851,255, T>G. VCF-style: chr6-131851255-T-G. GRCh37 (hg19) VCF-style: chr6-132172395-T-G.
Other names: short protein forms S182A.
Identifiers: ClinVar variation 835247 (VCV000835247.9), dbSNP rs1195225190, ClinGen allele CA365662332.
Genomic context (GRCh38, chr6:131,851,255, plus strand): 5'-AGCCTCTGTGCCTGTTCAGATGACTGCAAGGACAAGGGCGACTGCTGCATCAACTACAGT[T>G]CTGTGTGTCAAGGTCAGGTGCTCGTTGGGCTCTGCAGCAGCCTGGTATCTTCCAGCGTCT-3'
Protein context (NP_006199.2, residues 172-192): DKGDCCINYS[Ser182Ala]VCQGEKSWVE

ClinVar aggregate classification (germline): Uncertain significance (1 of 4 stars; one submission).

Allele frequency attached by ClinVar (database versions not stated): gnomAD exomes below 0.00001.
gnomAD v4.1: 5 of 1,614,144 alleles (0.00031%); highest among the groups gnomAD compares: Non-Finnish European, 0.00042%; no homozygotes.

Submission:

Labcorp Genetics (formerly Invitae), Labcorp
Classification: Uncertain significance. Last evaluated: 2020-09-09. Review status: criteria provided, single submitter. Criteria: Invitae Variant Classification Sherloc (09022015). Collection method: clinical testing. Allele origin: germline.
Comment: This variant is not present in population databases (ExAC no frequency). This sequence change replaces serine with alanine at codon 182 of the ENPP1 protein (p.Ser182Ala). The serine residue is moderately conserved and there is a moderate physicochemical difference between serine and alanine. This variant has not been reported in the literature in individuals with ENPP1-related conditions. ClinVar contains an entry for this variant (Variation ID: 835247). Algorithms developed to predict the effect of missense changes on protein structure and function output the following: SIFT: "Tolerated"; PolyPhen-2: "Benign"; Align-GVGD: "Class C0". The alanine amino acid residue is found in multiple mammalian species, suggesting that this missense change does not adversely affect protein function. These predictions have not been confirmed by published functional studies and their clinical significance is uncertain. In summary, the available evidence is currently insufficient to determine the role of this variant in disease. Therefore, it has been classified as a Variant of Uncertain Significance.